The following is an entry in ClinVar:

ClinVar aggregate classification (germline): Uncertain significance. Review status: criteria provided, multiple submitters, no conflicts (2 of 4 stars). 2 submissions from 2 submitters: Uncertain significance (2). Last evaluated 2023-09-14.

Allele frequency attached by ClinVar (database versions not stated): 1000 Genomes Project 30x 0.00016; 1000 Genomes Project 0.00020.
gnomAD v4.1: 56 of 1,612,346 alleles (0.0035%); highest among the groups gnomAD compares: South Asian, 0.056%; no homozygotes.

Submissions (2):

Blueprint Genetics
Classification: Uncertain significance. Last evaluated: 2023-09-14. Review status: criteria provided, single submitter. Criteria: ACMG Guidelines, 2015. Collection method: clinical testing. Allele origin: germline.

Labcorp Genetics (formerly Invitae), Labcorp
Classification: Uncertain significance. Last evaluated: 2022-07-07. Review status: criteria provided, single submitter. Criteria: Invitae Variant Classification Sherloc (09022015). Collection method: clinical testing. Allele origin: germline.
Comment: This sequence change replaces proline, which is neutral and non-polar, with threonine, which is neutral and polar, at codon 706 of the COL18A1 protein (p.Pro706Thr). This variant is present in population databases (rs546271526, gnomAD 0.06%). This variant has not been reported in the literature in individuals affected with COL18A1-related conditions. ClinVar contains an entry for this variant (Variation ID: 1417478). Experimental studies and prediction algorithms are not available or were not evaluated, and the functional significance of this variant is currently unknown. In summary, the available evidence is currently insufficient to determine the role of this variant in disease. Therefore, it has been classified as a Variant of Uncertain Significance.

NM_001379500.1(COL18A1):c.2116C>A (p.Pro706Thr)

Gene: COL18A1 (collagen type XVIII alpha 1 chain; plus strand). Cytogenetic location: 21q22.3.
Variant type: single nucleotide variant.
Coding change: c.2116C>A on transcript NM_001379500.1 (MANE Select); coding-DNA position 2116, C replaced by A.
Protein change: p.Pro706Thr; replaces proline 706 with threonine.
Molecular consequence: missense variant.
Genome position (GRCh38, 1-based): chr21:45,491,273, C>A. VCF-style: chr21-45491273-C-A. GRCh37 (hg19) VCF-style: chr21-46911187-C-A.
Other names: c.2656C>A, p.Pro886Thr (NM_030582.4); c.3361C>A, p.Pro1121Thr (NM_130444.3); short protein forms P1121T, P706T, P886T.
Identifiers: ClinVar variation 1417478 (VCV001417478.4), dbSNP rs546271526, ClinGen allele CA10066810.